The following is an entry in ClinVar:

NM_014363.6(SACS):c.7725A>T (p.Ile2575=)

Gene: SACS (sacsin molecular chaperone; minus strand). Cytogenetic location: 13q12.12.
Variant type: single nucleotide variant.
Coding change: c.7725A>T on transcript NM_014363.6 (MANE Select); coding-DNA position 7725, A replaced by T.
Protein change: p.Ile2575=; no amino-acid change (isoleucine 2575 retained).
Molecular consequence: synonymous variant.
Genome position (GRCh38, 1-based): chr13:23,336,151, T>A on the plus strand (A>T on the coding strand, the complement: SACS is on the minus strand). VCF-style: chr13-23336151-T-A. GRCh37 (hg19) VCF-style: chr13-23910290-T-A.
Other names: p.Ile2575=; c.7284A>T, p.Ile2428= (NM_001278055.2).
Identifiers: ClinVar variation 696439 (VCV000696439.53), dbSNP rs200735789, ClinGen allele CA6910866.

ClinVar aggregate classification (germline): Conflicting classifications of pathogenicity. Review status: criteria provided, conflicting classifications (1 of 4 stars). 9 submissions from 9 submitters: Uncertain significance (1); Benign (1); Likely benign (5). 2 of the submissions do not count toward it. Last evaluated 2026-09-01.

Conditions:
Charlevoix-Saguenay spastic ataxia (SACS). Also called: SPASTIC ATAXIA 6, AUTOSOMAL RECESSIVE; AUTOSOMAL RECESSIVE SPASTIC ATAXIA OF CHARLEVOIX-SAGUENAY; Spastic ataxia of Charlevoix-Saguenay. Identifiers: Orphanet 98, MedGen C1849140, MONDO:0010041, OMIM 270550.
SACS-related disorder. Also called: SACS-related condition.
Spastic paraplegia. Identifiers: MedGen C0037772, HP:0001258.

Allele frequency attached by ClinVar (database versions not stated): gnomAD 0.00032; ESP Exome Variant Server 0.00046; TOPMed 0.00048; 1000 Genomes Project 0.00060; 1000 Genomes Project 30x 0.00078.
gnomAD v4.1: 1,114 of 1,613,690 alleles (0.069%); highest among the groups gnomAD compares: Non-Finnish European, 0.089%; 3 homozygotes.

Submissions (9):

CeGaT Center for Human Genetics Tuebingen
Classification: Likely benign. Last evaluated: 2026-09-01. Review status: criteria provided, single submitter. Criteria: CeGaT Center For Human Genetics Tuebingen Variant Classification Criteria Version 2. Collection method: clinical testing. Allele origin: germline. Affected: yes. Observed: 10 variant alleles.
Comment: SACS: BP4, BP7

Labcorp Genetics (formerly Invitae), Labcorp
Classification: Likely benign for Spastic paraplegia. Last evaluated: 2026-02-01. Review status: criteria provided, single submitter. Criteria: Invitae Variant Classification Sherloc (09022015). Collection method: clinical testing. Allele origin: germline.

Mayo Clinic Laboratories, Mayo Clinic
Classification: Likely benign. Last evaluated: 2025-08-15. Review status: criteria provided, single submitter. Criteria: ACMG Guidelines, 2015. Collection method: clinical testing. Allele origin: germline. Observed: 3 variant alleles.
Comment: BP4, BP7

Blueprint Genetics
Classification: Likely benign. Last evaluated: 2024-06-14. Review status: criteria provided, single submitter. Criteria: ACMG Guidelines, 2015. Collection method: clinical testing. Allele origin: germline.

Genome-Nilou Lab
Classification: Likely benign for Charlevoix-Saguenay spastic ataxia. Last evaluated: 2021-09-05. Review status: criteria provided, single submitter. Criteria: ACMG Guidelines, 2015. Collection method: clinical testing. Allele origin: germline. Affected: no.

Athena Diagnostics
Classification: Benign. Last evaluated: 2020-08-24. Review status: criteria provided, single submitter. Criteria: Athena Diagnostics criteria. Collection method: clinical testing. Allele origin: unknown.

Illumina Laboratory Services, Illumina
Classification: Uncertain significance for Charlevoix-Saguenay spastic ataxia. Last evaluated: 2018-01-12. Review status: criteria provided, single submitter. Criteria: ICSL Variant Classification Criteria 13 December 2019. Collection method: clinical testing. Allele origin: germline.

PreventionGenetics, part of Exact Sciences
Classification: Likely benign for SACS-related condition. Last evaluated: 2024-08-11. Review status: no assertion criteria provided. Collection method: clinical testing. Allele origin: germline. Not counted in ClinVar's aggregate classification.
Comment: This variant is classified as likely benign based on ACMG/AMP sequence variant interpretation guidelines (Richards et al. 2015 PMID: 25741868, with internal and published modifications).

Natera, Inc.
Classification: Likely benign for Charlevoix-Saguenay type spastic ataxia. Last evaluated: 2020-05-13. Review status: no assertion criteria provided. Collection method: clinical testing. Allele origin: germline. Not counted in ClinVar's aggregate classification.